The following is an entry in ClinVar:

NM_003073.5(SMARCB1):c.882C>A (p.Ala294=)

Gene: SMARCB1 (SWI/SNF related BAF chromatin remodeling complex subunit B1; plus strand). Cytogenetic location: 22q11.23.
Variant type: single nucleotide variant.
Coding change: c.882C>A on transcript NM_003073.5 (MANE Select); coding-DNA position 882, C replaced by A.
Protein change: p.Ala294=; no amino-acid change (alanine 294 retained).
Molecular consequence: synonymous variant.
Genome position (GRCh38, 1-based): chr22:23,825,311, C>A. VCF-style: chr22-23825311-C-A. GRCh37 (hg19) VCF-style: chr22-24167498-C-A.
Other names: c.855C>A, p.Ala285= (NM_001007468.3); c.909C>A, p.Ala303= (NM_001317946.2); c.936C>A, p.Ala312= (NM_001362877.2).
Identifiers: ClinVar variation 4084085 (VCV004084085.8).

ClinVar aggregate classification (germline): Likely benign (1 of 4 stars; one submission).

Submission:

CeGaT Center for Human Genetics Tuebingen
Classification: Likely benign. Last evaluated: 2025-08-01. Review status: criteria provided, single submitter. Criteria: CeGaT Center For Human Genetics Tuebingen Variant Classification Criteria Version 2. Collection method: clinical testing. Allele origin: germline. Affected: yes. Observed: 1 variant allele.
Comment: SMARCB1: PM2:Supporting, BP4, BP7